The following is an entry in ClinVar:

NM_005996.4(TBX3):c.1662C>T (p.Ser554=)

Gene: TBX3 (T-box transcription factor 3; minus strand). Cytogenetic location: 12q24.21.
Variant type: single nucleotide variant.
Coding change: c.1662C>T on transcript NM_005996.4 (MANE Select); coding-DNA position 1662, C replaced by T.
Protein change: p.Ser554=; no amino-acid change (serine 554 retained).
Molecular consequence: synonymous variant.
Genome position (GRCh38, 1-based): chr12:114,674,213, G>A on the plus strand (C>T on the coding strand, the complement: TBX3 is on the minus strand). VCF-style: chr12-114674213-G-A. GRCh37 (hg19) VCF-style: chr12-115112018-G-A.
Other names: c.1722C>T, p.Ser574= (NM_016569.4).
Identifiers: ClinVar variation 4979591 (VCV004979591.1).

ClinVar aggregate classification (germline): Likely benign (1 of 4 stars; one submission).

Conditions:
TBX3-related disorder. Also called: TBX3-related condition.

gnomAD v4.1: 7 of 1,578,382 alleles (0.00044%); highest among the groups gnomAD compares: Non-Finnish European, 0.00043%; no homozygotes.

Submission:

PreventionGenetics, part of Exact Sciences
Classification: Likely benign for TBX3-related condition. Last evaluated: 2025-02-18. Review status: criteria provided, single submitter. Criteria: ACMG Guidelines, 2015. Collection method: clinical testing. Allele origin: germline.
Comment: This variant is classified as likely benign based on ACMG/AMP sequence variant interpretation guidelines (Richards et al. 2015 PMID: 25741868, with internal and published modifications).